The following is an entry in ClinVar:

NM_000352.6(ABCC8):c.664G>A (p.Val222Met)

Gene: ABCC8 (ATP binding cassette subfamily C member 8; minus strand). Cytogenetic location: 11p15.1.
Variant type: single nucleotide variant.
Coding change: c.664G>A on transcript NM_000352.6 (MANE Select); coding-DNA position 664, G replaced by A.
Protein change: p.Val222Met; replaces valine 222 with methionine.
Molecular consequence: missense variant. On other transcripts: non-coding transcript variant (1).
Genome position (GRCh38, 1-based): chr11:17,461,741, C>T on the plus strand (G>A on the coding strand, the complement: ABCC8 is on the minus strand). VCF-style: chr11-17461741-C-T. GRCh37 (hg19) VCF-style: chr11-17483288-C-T.
Other names: c.664G>A, p.Val222Met (NM_001287174.3, NM_001351295.2, NM_001351296.2 and 1 more transcripts); short protein forms V222M.
Identifiers: ClinVar variation 3599416 (VCV003599416.5).

ClinVar aggregate classification (germline): Uncertain significance. Review status: criteria provided, multiple submitters, no conflicts (2 of 4 stars). 3 submissions from 3 submitters: Uncertain significance (3). Last evaluated 2025-04-30.

Conditions:
Type 2 diabetes mellitus. Also called: Type II diabetes mellitus. Identifiers: MedGen C0011860, MeSH D003924, MONDO:0005148, OMIM 125853, HP:0005978.
Leucine-induced hypoglycemia (LIH). Also called: LEUCINE-SENSITIVE HYPOGLYCEMIA OF INFANCY. Identifiers: MedGen C0271714, MONDO:0009415, OMIM 240800.
Diabetes mellitus, permanent neonatal 3. Also called: ABCC8-Related Permanent Neonatal Diabetes Mellitus. Identifiers: MedGen C5394303, MONDO:0030088, OMIM 618857.
Diabetes mellitus, transient neonatal, 2 (TNDM2). Identifiers: Orphanet 99886, MedGen C1835887, MONDO:0012480, OMIM 610374. Disease mechanism: loss of function.
Hyperinsulinemic hypoglycemia, familial, 1 (HHF1). Also called: NESIDIOBLASTOSIS OF PANCREAS; Persistent hyperinsulinemic hypoglycemia of infancy; HYPERINSULINISM, FAMILIAL, WITH PANCREATIC NESIDIOBLASTOSIS; HYPOGLYCEMIA, HYPERINSULINEMIC, OF INFANCY; Persistent Hyperinsulinemia Hypoglycemia of Infancy. Identifiers: Orphanet 276575, Orphanet 276598, MedGen C2931832, MONDO:0009734, OMIM 256450.

gnomAD v4.1: 109 of 1,614,026 alleles (0.0068%); highest among the groups gnomAD compares: Non-Finnish European, 0.0089%; no homozygotes.

Submissions (3):

Labcorp Genetics (formerly Invitae), Labcorp
Classification: Uncertain significance. Last evaluated: 2025-04-30. Review status: criteria provided, single submitter. Criteria: Invitae Variant Classification Sherloc (09022015). Collection method: clinical testing. Allele origin: germline.
Comment: This sequence change replaces valine, which is neutral and non-polar, with methionine, which is neutral and non-polar, at codon 222 of the ABCC8 protein (p.Val222Met). This variant is present in population databases (rs761757944, gnomAD 0.005%). This missense change has been observed in individual(s) with clinical features of ABCC8-related conditions and/or congenital hyperinsulinism (PMID: 21989597, 23345197). ClinVar contains an entry for this variant (Variation ID: 3599416). Invitae Evidence Modeling of protein sequence and biophysical properties (such as structural, functional, and spatial information, amino acid conservation, physicochemical variation, residue mobility, and thermodynamic stability) indicates that this missense variant is expected to disrupt ABCC8 protein function with a positive predictive value of 95%. In summary, the available evidence is currently insufficient to determine the role of this variant in disease. Therefore, it has been classified as a Variant of Uncertain Significance.

Women's Health and Genetics/Laboratory Corporation of America, LabCorp
Classification: Uncertain significance. Last evaluated: 2025-01-15. Review status: criteria provided, single submitter. Criteria: LabCorp Variant Classification Summary - May 2015. Collection method: clinical testing. Allele origin: germline.
Comment: Variant summary: ABCC8 c.664G>A (p.Val222Met) results in a conservative amino acid change in the encoded protein sequence. Four of five in-silico tools predict a damaging effect of the variant on protein function. The variant allele was found at a frequency of 2e-05 in 251492 control chromosomes (gnomAD). c.664G>A has been reported in the literature in the compound heterozygous state with variants of uncertain significance in individuals affected with Maturity Onset Diabetes Of The Young or with Congenital Hyperinsulinism (Bowman_2012, Kapoor_2013). These data indicate that the variant may be associated with disease. To our knowledge, no experimental evidence demonstrating an impact on protein function has been reported. The following publications have been ascertained in the context of this evaluation (PMID: 21989597, 23345197). No submitters have cited clinical-significance assessments for this variant to ClinVar. Based on the evidence outlined above, the variant was classified as VUS-possibly pathogenic.

Fulgent Genetics
Classification: Uncertain significance for Type 2 diabetes mellitus; Leucine-induced hypoglycemia; Hyperinsulinemic hypoglycemia, familial, 1; Diabetes mellitus, transient neonatal, 2; Diabetes mellitus, permanent neonatal 3. Last evaluated: 2023-12-21. Review status: criteria provided, single submitter. Criteria: ACMG Guidelines, 2015. Collection method: clinical testing. Allele origin: germline.

Literature cited by the submitters: PubMed 21989597 (cited by Labcorp Genetics (formerly Invitae), Labcorp and Women's Health and Genetics/Laboratory Corporation of America, LabCorp); PubMed 23345197 (cited by Labcorp Genetics (formerly Invitae), Labcorp and Women's Health and Genetics/Laboratory Corporation of America, LabCorp).